The following is an entry in ClinVar:

NM_001128840.3(CACNA1D):c.2479G>A (p.Glu827Lys)

Gene: CACNA1D (calcium voltage-gated channel subunit alpha1 D; plus strand). Cytogenetic location: 3p21.1.
Variant type: single nucleotide variant.
Coding change: c.2479G>A on transcript NM_001128840.3 (MANE Select); coding-DNA position 2479, G replaced by A.
Protein change: p.Glu827Lys; replaces glutamic acid 827 with lysine.
Molecular consequence: missense variant.
Genome position (GRCh38, 1-based): chr3:53,732,820, G>A. VCF-style: chr3-53732820-G-A. GRCh37 (hg19) VCF-style: chr3-53766847-G-A.
Other names: c.2539G>A, p.Glu847Lys (NM_000720.4); c.2479G>A, p.Glu827Lys (NM_001128839.3); short protein forms E827K, E847K.
Identifiers: ClinVar variation 1371026 (VCV001371026.8), dbSNP rs2095011762, ClinGen allele CA353241328.

ClinVar aggregate classification (germline): Uncertain significance (1 of 4 stars; one submission).

Allele frequency attached by ClinVar (database versions not stated): TOPMed below 0.00001; gnomAD exomes 0.00006.

Submission:

Labcorp Genetics (formerly Invitae), Labcorp
Classification: Uncertain significance. Last evaluated: 2021-05-30. Review status: criteria provided, single submitter. Criteria: Invitae Variant Classification Sherloc (09022015). Collection method: clinical testing. Allele origin: germline.
Comment: This variant is not present in population databases (ExAC no frequency). In summary, the available evidence is currently insufficient to determine the role of this variant in disease. Therefore, it has been classified as a Variant of Uncertain Significance. Algorithms developed to predict the effect of missense changes on protein structure and function (SIFT, PolyPhen-2, Align-GVGD) all suggest that this variant is likely to be tolerated, but these predictions have not been confirmed by published functional studies and their clinical significance is uncertain. This variant has not been reported in the literature in individuals with CACNA1D-related conditions. This sequence change replaces glutamic acid with lysine at codon 847 of the CACNA1D protein (p.Glu847Lys). The glutamic acid residue is moderately conserved and there is a small physicochemical difference between glutamic acid and lysine.